The following is an entry in ClinVar:

ClinVar aggregate classification (germline): Uncertain significance (1 of 4 stars; one submission).

Conditions:
Angelman syndrome (AS). Also called: HAPPY PUPPET SYNDROME. Identifiers: Orphanet 72, MedGen C0162635, MONDO:0007113, OMIM 105830. Disease mechanism: loss of function. Inheritance: AS is caused by disruption of maternally imprinted UBE3A located within the 15q11.2-q13 Angelman syndrome/Prader-Willi syndrome (AS/PWS) region., imprinting disorder.

Submission:

Labcorp Genetics (formerly Invitae), Labcorp
Classification: Uncertain significance for Angelman syndrome. Last evaluated: 2024-01-08. Review status: criteria provided, single submitter. Criteria: Invitae Variant Classification Sherloc (09022015). Collection method: clinical testing. Allele origin: germline.
Comment: This sequence change replaces leucine, which is neutral and non-polar, with valine, which is neutral and non-polar, at codon 409 of the UBE3A protein (p.Leu409Val). This variant is not present in population databases (gnomAD no frequency). This variant has not been reported in the literature in individuals affected with UBE3A-related conditions. ClinVar contains an entry for this variant (Variation ID: 1386591). Advanced modeling of protein sequence and biophysical properties (such as structural, functional, and spatial information, amino acid conservation, physicochemical variation, residue mobility, and thermodynamic stability) performed at Invitae indicates that this missense variant is expected to disrupt UBE3A protein function with a positive predictive value of 95%. In summary, the available evidence is currently insufficient to determine the role of this variant in disease. Therefore, it has been classified as a Variant of Uncertain Significance.

NM_130839.5(UBE3A):c.1285C>G (p.Leu429Val)

Genes: SNHG14 (small nucleolar RNA host gene 14; plus strand), UBE3A (ubiquitin protein ligase E3A; minus strand). Cytogenetic location: 15q11.2.
Variant type: single nucleotide variant.
Coding change: c.1285C>G on transcript NM_130839.5 (MANE Select); coding-DNA position 1285, C replaced by G.
Protein change: p.Leu429Val; replaces leucine 429 with valine.
Molecular consequence: missense variant. On other transcripts: non-coding transcript variant (1), intron variant (2).
Genome position (GRCh38, 1-based): chr15:25,370,889, G>C on the plus strand (C>G on the coding strand, the complement: UBE3A is on the minus strand). VCF-style: chr15-25370889-G-C. GRCh37 (hg19) VCF-style: chr15-25616036-G-C.
Other names: c.1294C>G, p.Leu432Val (NM_000462.5); c.1285C>G, p.Leu429Val (NM_001354505.1, NM_001354538.2, NM_001354545.2); c.1225C>G, p.Leu409Val (NM_001354506.2, NM_001354507.2, NM_001354508.2 and 17 more transcripts); c.1108C>G, p.Leu370Val (NM_001354546.2); c.301+4576C>G (NM_001354551.2); c.361+4576C>G (NM_001354550.2); short protein forms L429V, L409V, L432V, L370V.
Identifiers: ClinVar variation 1386591 (VCV001386591.8), dbSNP rs1263950376, ClinGen allele CA391353949.